The following is an entry in ClinVar:

ClinVar aggregate classification (germline): Pathogenic/Likely pathogenic. Review status: criteria provided, multiple submitters, no conflicts (2 of 4 stars). 4 submissions from 4 submitters: Pathogenic (1); Likely pathogenic (3). Last evaluated 2024-03-06.

Conditions:
Perrault syndrome 1 (PRLTS1). Also called: GONADAL DYSGENESIS, XX TYPE, WITH DEAFNESS; OVARIAN DYSGENESIS WITH SENSORINEURAL DEAFNESS. Identifiers: Orphanet 2855, Orphanet 642945, MedGen C4551721, MONDO:0009300, OMIM 233400.
Bifunctional peroxisomal enzyme deficiency (DBIF). Also called: PBFE DEFICIENCY; DBP DEFICIENCY; D-bifunctional protein deficiency. Identifiers: Orphanet 300, MedGen C0342870, MONDO:0009855, OMIM 261515. Disease mechanism: loss of function.
Perrault syndrome. Also called: Gonadal dysgenesis with auditory dysfunction, autosomal recessive inheritance. Identifiers: Orphanet 2855, MedGen C0685838, MONDO:0017312.

Allele frequency attached by ClinVar (database versions not stated): gnomAD exomes below 0.00001.
gnomAD v4.1: 3 of 1,612,330 alleles (0.00019%); highest among the groups gnomAD compares: Non-Finnish European, 0.00025%; no homozygotes.

Submissions (4):

Natera, Inc.
Classification: Likely pathogenic for Bifunctional peroxisomal enzyme deficiency. Last evaluated: 2024-03-06. Review status: criteria provided, single submitter. Criteria: Natera Variant Classification Schema (03/2026). Collection method: clinical testing. Allele origin: germline.
Comment: The c.652G>T variant in HSD17B4 is a missense variant predicted to cause substitution of valine to leucine at amino acid 218. This variant is rare in the general population with a frequency below the threshold expected for the associated phenotype(s). This variant has been observed in one or more individuals affected with the associated recessive disease, as either homozygous or compound heterozygous with a second variant (PMID: 16385454). Computational prediction algorithms indicate this variant is likely to affect gene or protein function. Given the available evidence, this variant is classified as Likely Pathogenic.

Baylor Genetics
Classification: Likely pathogenic for Bifunctional peroxisomal enzyme deficiency. Last evaluated: 2024-02-22. Review status: criteria provided, single submitter. Criteria: ACMG Guidelines, 2015. Collection method: clinical testing. Allele origin: unknown.

Labcorp Genetics (formerly Invitae), Labcorp
Classification: Pathogenic for Perrault syndrome; Bifunctional peroxisomal enzyme deficiency. Last evaluated: 2024-01-07. Review status: criteria provided, single submitter. Criteria: Invitae Variant Classification Sherloc (09022015). Collection method: clinical testing. Allele origin: germline.
Comment: This sequence change replaces valine, which is neutral and non-polar, with leucine, which is neutral and non-polar, at codon 218 of the HSD17B4 protein (p.Val218Leu). This variant is not present in population databases (gnomAD no frequency). This missense change has been observed in individuals with D-bifunctional protein deficiency (PMID: 16385454). ClinVar contains an entry for this variant (Variation ID: 1027412). Advanced modeling of protein sequence and biophysical properties (such as structural, functional, and spatial information, amino acid conservation, physicochemical variation, residue mobility, and thermodynamic stability) has been performed at Invitae for this missense variant, however the output from this modeling did not meet the statistical confidence thresholds required to predict the impact of this variant on HSD17B4 protein function. For these reasons, this variant has been classified as Pathogenic.

Molecular Medicine for Neurodegenerative and Neuromuscular Diseases Unit, IRCCS Fondazione Stella Maris
Classification: Likely pathogenic for Perrault syndrome 1. Last evaluated: 2021-07-12. Review status: criteria provided, single submitter. Criteria: ACMG Guidelines, 2015. Collection method: research. Allele origin: inherited. Affected: yes.

Literature cited by the submitters: PubMed 16385454 (cited by Natera, Inc. and Labcorp Genetics (formerly Invitae), Labcorp).

NM_000414.4(HSD17B4):c.652G>T (p.Val218Leu)

Gene: HSD17B4 (hydroxysteroid 17-beta dehydrogenase 4; plus strand). Cytogenetic location: 5q23.1.
Variant type: single nucleotide variant.
Coding change: c.652G>T on transcript NM_000414.4 (MANE Select); coding-DNA position 652, G replaced by T.
Protein change: p.Val218Leu; replaces valine 218 with leucine.
Molecular consequence: missense variant. On other transcripts: non-coding transcript variant (2).
Genome position (GRCh38, 1-based): chr5:119,489,221, G>T. VCF-style: chr5-119489221-G-T. GRCh37 (hg19) VCF-style: chr5-118824916-G-T.
Other names: c.727G>T, p.Val243Leu (NM_001199291.3); c.598G>T, p.Val200Leu (NM_001199292.2); c.580G>T, p.Val194Leu (NM_001292027.2); c.652G>T (NM_000414.3); c.232G>T, p.Val78Leu (NM_001292028.2); c.643G>T, p.Val215Leu (NM_001374497.1); c.652G>T, p.Val218Leu (NM_001374498.1); c.325G>T, p.Val109Leu (NM_001374499.1); and 2 more; short protein forms V109L, V194L, V200L, V215L, V218L, V243L, V71L, V78L.
Identifiers: ClinVar variation 1027412 (VCV001027412.9), dbSNP rs1749878115, ClinGen allele CA360866929.